The following is an entry in ClinVar:

NM_020800.3(IFT80):c.691C>T (p.Pro231Ser)

Genes: IFT80 (intraflagellar transport 80; minus strand), TRIM59-IFT80 (TRIM59-IFT80 readthrough (NMD candidate); minus strand). Cytogenetic location: 3q25.33.
Variant type: single nucleotide variant.
Coding change: c.691C>T on transcript NM_020800.3 (MANE Select); coding-DNA position 691, C replaced by T.
Protein change: p.Pro231Ser; replaces proline 231 with serine.
Molecular consequence: missense variant. On other transcripts: non-coding transcript variant (3).
Genome position (GRCh38, 1-based): chr3:160,356,099, G>A on the plus strand (C>T on the coding strand, the complement: IFT80 is on the minus strand). VCF-style: chr3-160356099-G-A. GRCh37 (hg19) VCF-style: chr3-160073887-G-A.
Other names: c.280C>T, p.Pro94Ser (NM_001190241.2, NM_001190242.2); short protein forms P231S, P94S.
Identifiers: ClinVar variation 900460 (VCV000900460.7), dbSNP rs149447674, ClinGen allele CA2685394.

ClinVar aggregate classification (germline): Uncertain significance. Review status: criteria provided, multiple submitters, no conflicts (2 of 4 stars). 3 submissions from 3 submitters: Uncertain significance (3). Last evaluated 2024-02-06.

Conditions:
Asphyxiating thoracic dystrophy 2 (SRTD2). Also called: SHORT-RIB THORACIC DYSPLASIA 2 WITH OR WITHOUT POLYDACTYLY; SHORT-RIB THORACIC DYSPLASIA 2 WITH POLYDACTYLY; SHORT-RIB THORACIC DYSPLASIA 2 WITHOUT POLYDACTYLY. Identifiers: Orphanet 474, MedGen C1970005, MONDO:0012644, OMIM 611263.
Jeune thoracic dystrophy. Also called: Jeune syndrome; Infantile thoracic dystrophy; Thoracic pelvic phalangeal dystrophy; Jeune's syndrome; Chondroectodermal dysplasia-like syndrome; Short-rib thoracic dysplasia. Identifiers: Orphanet 474, MedGen C0265275, MONDO:0018770.

Allele frequency attached by ClinVar (database versions not stated): ExAC 0.00003; gnomAD exomes 0.00003; TOPMed 0.00007; ESP Exome Variant Server 0.00008; gnomAD 0.00008.
gnomAD v4.1: 113 of 1,614,096 alleles (0.007%); highest among the groups gnomAD compares: Non-Finnish European, 0.0093%; no homozygotes.

Submissions (3):

Fulgent Genetics
Classification: Uncertain significance for Asphyxiating thoracic dystrophy 2. Last evaluated: 2024-02-06. Review status: criteria provided, single submitter. Criteria: ACMG Guidelines, 2015. Collection method: clinical testing. Allele origin: germline.

Labcorp Genetics (formerly Invitae), Labcorp
Classification: Uncertain significance for Jeune thoracic dystrophy. Last evaluated: 2022-10-31. Review status: criteria provided, single submitter. Criteria: Invitae Variant Classification Sherloc (09022015). Collection method: clinical testing. Allele origin: germline.
Comment: This sequence change replaces proline, which is neutral and non-polar, with serine, which is neutral and polar, at codon 231 of the IFT80 protein (p.Pro231Ser). This variant is present in population databases (rs149447674, gnomAD 0.008%). This variant has not been reported in the literature in individuals affected with IFT80-related conditions. ClinVar contains an entry for this variant (Variation ID: 900460). Advanced modeling of protein sequence and biophysical properties (such as structural, functional, and spatial information, amino acid conservation, physicochemical variation, residue mobility, and thermodynamic stability) has been performed at Invitae for this missense variant, however the output from this modeling did not meet the statistical confidence thresholds required to predict the impact of this variant on IFT80 protein function. In summary, the available evidence is currently insufficient to determine the role of this variant in disease. Therefore, it has been classified as a Variant of Uncertain Significance.

Illumina Laboratory Services, Illumina
Classification: Uncertain significance for Asphyxiating thoracic dystrophy 2. Last evaluated: 2018-01-13. Review status: criteria provided, single submitter. Criteria: ICSL Variant Classification Criteria 13 December 2019. Collection method: clinical testing. Allele origin: germline.